The following is an entry in ClinVar:

ClinVar aggregate classification (germline): Uncertain significance. Review status: criteria provided, multiple submitters, no conflicts (2 of 4 stars). 2 submissions from 2 submitters: Uncertain significance (2). Last evaluated 2025-04-10.

Conditions:
NCOA1-related disorder. Also called: NCOA1-related condition.

Allele frequency attached by ClinVar (database versions not stated): gnomAD exomes below 0.00001; ExAC 0.00001; gnomAD 0.00003; TOPMed 0.00010.
gnomAD v4.1: 9 of 1,614,106 alleles (0.00056%); highest among the groups gnomAD compares: African/African-American, 0.0093%; no homozygotes.

Submissions (2):

Ambry Genetics
Classification: Uncertain significance. Last evaluated: 2025-04-10. Review status: criteria provided, single submitter. Criteria: Ambry Variant Classification Scheme 2023. Collection method: clinical testing. Allele origin: germline.

PreventionGenetics, part of Exact Sciences
Classification: Uncertain significance for NCOA1-related condition. Last evaluated: 2022-10-20. Review status: criteria provided, single submitter. Criteria: ACMG Guidelines, 2015. Collection method: clinical testing. Allele origin: germline.
Comment: The NCOA1 c.3416G>A variant is predicted to result in the amino acid substitution p.Ser1139Asn. To our knowledge, this variant has not been reported in the literature. This variant is reported in 0.012% of alleles in individuals of African descent in gnomAD. At this time, the clinical significance of this variant is uncertain due to the absence of conclusive functional and genetic evidence.

NM_003743.5(NCOA1):c.3416G>A (p.Ser1139Asn)

Gene: NCOA1 (nuclear receptor coactivator 1; plus strand). Cytogenetic location: 2p23.3.
Variant type: single nucleotide variant.
Coding change: c.3416G>A on transcript NM_003743.5 (MANE Select); coding-DNA position 3416, G replaced by A.
Protein change: p.Ser1139Asn; replaces serine 1139 with asparagine.
Molecular consequence: missense variant.
Genome position (GRCh38, 1-based): chr2:24,741,896, G>A. VCF-style: chr2-24741896-G-A. GRCh37 (hg19) VCF-style: chr2-24964765-G-A.
Other names: c.3416G>A, p.Ser1139Asn (NM_001362950.1, NM_001362952.1, NM_001362954.1 and 3 more transcripts); short protein forms S1139N.
Identifiers: ClinVar variation 2634253 (VCV002634253.2), dbSNP rs748979222, ClinGen allele CA1552648.